The following is an entry in ClinVar:

NM_031924.8(RSPH3):c.187C>T (p.Leu63Phe)

Gene: RSPH3 (radial spoke head 3; minus strand). Cytogenetic location: 6q25.3.
Variant type: single nucleotide variant.
Coding change: c.187C>T on transcript NM_031924.8 (MANE Select); coding-DNA position 187, C replaced by T.
Protein change: p.Leu63Phe; replaces leucine 63 with phenylalanine.
Molecular consequence: missense variant. On other transcripts: non-coding transcript variant (1).
Genome position (GRCh38, 1-based): chr6:158,993,856, G>A on the plus strand (C>T on the coding strand, the complement: RSPH3 is on the minus strand). VCF-style: chr6-158993856-G-A. GRCh37 (hg19) VCF-style: chr6-159414888-G-A.
Other names: c.613C>T, p.Leu205Phe (NM_001346418.1); short protein forms L205F, L63F.
Identifiers: ClinVar variation 4771454 (VCV004771454.1).
Genomic context (GRCh38, chr6:158,993,856, plus strand): 5'-ATAATGTGAGAACACGGTGTTAGACTATTCAAACTGAACTTACCAGTGGCCCTGTCTGGA[G>A]TGCATAAGTGTTACCTCGAATTACCCTTCTGTCATACATTATGTTTCCATAATGCATAGG-3'
Protein context (NP_114130.4, residues 53-73): RRVIRGNTYA[Leu63Phe]QTGPLLGRPD

ClinVar aggregate classification (germline): Uncertain significance (1 of 4 stars; one submission).

Conditions:
Primary ciliary dyskinesia 32. Also called: CILIARY DYSKINESIA, PRIMARY, 32, WITHOUT SITUS INVERSUS. Identifiers: Orphanet 244, MedGen C4225311, MONDO:0014657, OMIM 616481.

Submission:

Labcorp Genetics (formerly Invitae), Labcorp
Classification: Uncertain significance for Primary ciliary dyskinesia 32. Last evaluated: 2025-09-10. Review status: criteria provided, single submitter. Criteria: Invitae Variant Classification Sherloc (09022015). Collection method: clinical testing. Allele origin: germline.
Comment: This sequence change replaces leucine, which is neutral and non-polar, with phenylalanine, which is neutral and non-polar, at codon 205 of the RSPH3 protein (p.Leu205Phe). This variant is not present in population databases (gnomAD no frequency). This variant has not been reported in the literature in individuals affected with RSPH3-related conditions. An algorithm developed to predict the effect of missense changes on protein structure and function (PolyPhen-2) suggests that this variant is likely to be disruptive. In summary, the available evidence is currently insufficient to determine the role of this variant in disease. Therefore, it has been classified as a Variant of Uncertain Significance.